The following is an entry in ClinVar:

NM_015599.3(PGM3):c.-2-1G>C

Gene: PGM3 (phosphoglucomutase 3; minus strand). Cytogenetic location: 6q14.1.
Variant type: single nucleotide variant.
Coding change: c.-2-1G>C on transcript NM_015599.3 (MANE Select); the canonical splice acceptor site of the intron before 2 bases upstream of the start codon, G replaced by C.
Molecular consequence: splice acceptor variant. On other transcripts: intron variant (1).
Genome position (GRCh38, 1-based): chr6:83,191,015, C>G on the plus strand (G>C on the coding strand, the complement: PGM3 is on the minus strand). VCF-style: chr6-83191015-C-G. GRCh37 (hg19) VCF-style: chr6-83900734-C-G.
Other names: c.83-1G>C (NM_001199917.2, NM_001367287.1); c.-40+2164G>C (NM_001199918.2); c.-2-1G>C (NM_001367286.1, NM_001199919.2).
Identifiers: ClinVar variation 1473807 (VCV001473807.6), dbSNP rs1483237450, ClinGen allele CA364854304.
Genomic context (GRCh38, chr6:83,191,015, plus strand): 5'-TCAGTCCATTGGGCTTGGCGTGTAATGCTGAGTATTTTGTAATAGCACCTAAATCCATGT[C>G]TACAAAATTAAGAAATATTGTTTCGGGCATAACAAGTAATTTCTTAAGAACCATTTGCTT-3'

ClinVar aggregate classification (germline): Likely pathogenic (1 of 4 stars; one submission).

Conditions:
Immunodeficiency 23 (IMD23). Also called: IMMUNODEFICIENCY WITH HYPER IgE AND COGNITIVE IMPAIRMENT; IMMUNODEFICIENCY-VASCULITIS-MYOCLONUS SYNDROME. Identifiers: Orphanet 443811, MedGen C4014371, MONDO:0014353, OMIM 615816.

Allele frequency attached by ClinVar (database versions not stated): TOPMed below 0.00001; gnomAD 0.00001.
gnomAD v4.1: 1 of 1,611,504 alleles (0.000062%); highest among the groups gnomAD compares: Non-Finnish European, 0.000085%; no homozygotes.

Submission:

Labcorp Genetics (formerly Invitae), Labcorp
Classification: Likely pathogenic for Immunodeficiency 23. Last evaluated: 2022-02-04. Review status: criteria provided, single submitter. Criteria: Invitae Variant Classification Sherloc (09022015). Collection method: clinical testing. Allele origin: germline.
Comment: In summary, the currently available evidence indicates that the variant is pathogenic, but additional data are needed to prove that conclusively. Therefore, this variant has been classified as Likely Pathogenic. Algorithms developed to predict the effect of sequence changes on RNA splicing suggest that this variant may disrupt the consensus splice site. This variant has not been reported in the literature in individuals affected with PGM3-related conditions. This variant is not present in population databases (gnomAD no frequency). This sequence change affects an acceptor splice site in intron 2 of the PGM3 gene. It is expected to disrupt RNA splicing. Variants that disrupt the donor or acceptor splice site typically lead to a loss of protein function (PMID: 16199547), and loss-of-function variants in PGM3 are known to be pathogenic (PMID: 17548465, 24589341, 24931394).

Literature cited by the submitters: PubMed 16199547; PubMed 17548465; PubMed 24589341; PubMed 24931394.